The following is an entry in ClinVar:

ClinVar aggregate classification (germline): Pathogenic (1 of 4 stars; one submission).

Submission:

Labcorp Genetics (formerly Invitae), Labcorp
Classification: Pathogenic. Last evaluated: 2019-12-24. Review status: criteria provided, single submitter. Criteria: Invitae Variant Classification Sherloc (09022015). Collection method: clinical testing. Allele origin: germline.
Comment: For these reasons, this variant has been classified as Pathogenic. The region of the COL4A5 gene that includes exon(s) 49-51 has been determined to be clinically significant (PMID: 8011973, 10684360, 10094548). Therefore, deletions that encompass that region are likely to disrupt protein function and cause disease. This variant has not been reported in the literature in individuals with COL4A5-related conditions. This variant is a gross deletion of the genomic region encompassing exons 14-51 of the COL4A5 gene. The 5' boundary is likely confined to intron 13. The 3' end of this event is unknown as it extends through the termination codon beyond the assayed region for this gene and may encompass additional genes. While this deletion is not anticipated to result in nonsense mediated decay, it is expected to create a truncated protein product or disrupt mRNA translation.

Literature cited by the submitters: PubMed 8011973; PubMed 10684360; PubMed 10094548.

NC_000023.11:g.(?_108580533)_(108736344_?)del

Genes: COL4A5 (collagen type IV alpha 5 chain; plus strand), IRS4 (insulin receptor substrate 4; minus strand). Cytogenetic location: Xq22.3.
Variant type: Deletion.
Identifiers: ClinVar variation 832545 (VCV000832545.7).